The following is an entry in ClinVar:

NM_001042492.3(NF1):c.2847A>T (p.Gly949=)

Gene: NF1 (neurofibromin 1; plus strand). Cytogenetic location: 17q11.2.
Variant type: single nucleotide variant.
Coding change: c.2847A>T on transcript NM_001042492.3 (MANE Select); coding-DNA position 2847, A replaced by T.
Protein change: p.Gly949=; no amino-acid change (glycine 949 retained).
Molecular consequence: synonymous variant.
Genome position (GRCh38, 1-based): chr17:31,229,462, A>T. VCF-style: chr17-31229462-A-T. GRCh37 (hg19) VCF-style: chr17-29556480-A-T.
Other names: c.2847A>T, p.Gly949= (NM_000267.4).
Identifiers: ClinVar variation 3392846 (VCV003392846.3).
Genomic context (GRCh38, chr17:31,229,462, plus strand): 5'-GTATCCAATGCTATTTAACAAATTGAAGAATACCATCAGCAAGTTTTTTGACTCCCAAGG[A>T]CAGGTAAAGTGTTCTCTTATTTTTCACCTTTCTCTATGAATAGAGTGACTTGTTTGAAAT-3'
Protein context (NP_001035957.1, residues 939-959): NTISKFFDSQ[Gly949=]QVLLTDTNTQ

ClinVar aggregate classification (germline): Conflicting classifications of pathogenicity. Review status: criteria provided, conflicting classifications (1 of 4 stars). 2 submissions from 2 submitters: Uncertain significance (1); Likely benign (1). Last evaluated 2024-06-24.

Conditions:
Neurofibromatosis, type 1 (NF1). Also called: NEUROFIBROMATOSIS, TYPE I, SOMATIC; Neurofibromatosis, type I; Peripheral type neurofibromatosis; VON RECKLINGHAUSEN DISEASE. Identifiers: Orphanet 636, MedGen C0027831, MONDO:0018975, OMIM 162200. Disease mechanism: loss of function.

Submissions (2):

GeneDx
Classification: Uncertain significance. Last evaluated: 2024-06-24. Review status: criteria provided, single submitter. Criteria: GeneDx Variant Classification Process June 2021. Collection method: clinical testing. Allele origin: germline. Affected: yes.
Comment: Not observed at significant frequency in large population cohorts (gnomAD); In silico analysis supports a deleterious effect on splicing; Has not been previously published as pathogenic or benign to our knowledge

Labcorp Genetics (formerly Invitae), Labcorp
Classification: Likely benign for Neurofibromatosis, type 1. Last evaluated: 2024-04-29. Review status: criteria provided, single submitter. Criteria: Invitae Variant Classification Sherloc (09022015). Collection method: clinical testing. Allele origin: germline.